The following is an entry in ClinVar:

ClinVar aggregate classification (germline): Uncertain significance. Review status: criteria provided, multiple submitters, no conflicts (2 of 4 stars). 2 submissions from 2 submitters: Uncertain significance (2). Last evaluated 2024-11-26.

Conditions:
Inborn genetic diseases. Identifiers: MedGen C0950123, MeSH D030342.

Allele frequency attached by ClinVar (database versions not stated): gnomAD exomes below 0.00001 and 0.00001; ExAC 0.00001; gnomAD 0.00001; TOPMed 0.00004.
gnomAD v4.1: 6 of 1,614,108 alleles (0.00037%); highest among the groups gnomAD compares: Non-Finnish European, 0.00051%; no homozygotes.

Submissions (2):

Ambry Genetics
Classification: Uncertain significance for Inborn genetic diseases. Last evaluated: 2024-11-26. Review status: criteria provided, single submitter. Criteria: Ambry Variant Classification Scheme 2023. Collection method: clinical testing. Allele origin: germline.

Labcorp Genetics (formerly Invitae), Labcorp
Classification: Uncertain significance. Last evaluated: 2022-04-15. Review status: criteria provided, single submitter. Criteria: Invitae Variant Classification Sherloc (09022015). Collection method: clinical testing. Allele origin: germline.
Comment: In summary, the available evidence is currently insufficient to determine the role of this variant in disease. Therefore, it has been classified as a Variant of Uncertain Significance. Algorithms developed to predict the effect of missense changes on protein structure and function (SIFT, PolyPhen-2, Align-GVGD) all suggest that this variant is likely to be tolerated. This variant has not been reported in the literature in individuals affected with TNFAIP3-related conditions. This variant is present in population databases (rs751311141, gnomAD 0.002%). This sequence change replaces threonine, which is neutral and polar, with alanine, which is neutral and non-polar, at codon 544 of the TNFAIP3 protein (p.Thr544Ala).

NM_001270508.2(TNFAIP3):c.1630A>G (p.Thr544Ala)

Gene: TNFAIP3 (TNF alpha induced protein 3; plus strand). Cytogenetic location: 6q23.3.
Variant type: single nucleotide variant.
Coding change: c.1630A>G on transcript NM_001270508.2 (MANE Select); coding-DNA position 1630, A replaced by G.
Protein change: p.Thr544Ala; replaces threonine 544 with alanine.
Molecular consequence: missense variant.
Genome position (GRCh38, 1-based): chr6:137,879,075, A>G. VCF-style: chr6-137879075-A-G. GRCh37 (hg19) VCF-style: chr6-138200212-A-G.
Other names: c.1630A>G (NM_006290.2); c.1630A>G, p.Thr544Ala (NM_001270507.2, NM_006290.4); short protein forms T544A.
Identifiers: ClinVar variation 1357748 (VCV001357748.7), dbSNP rs751311141, ClinGen allele CA4019675.